The following is an entry in ClinVar:

NM_000388.4(CASR):c.393C>G (p.Cys131Trp)

Gene: CASR (calcium sensing receptor; plus strand). Cytogenetic location: 3q21.1.
Variant type: single nucleotide variant.
Coding change: c.393C>G on transcript NM_000388.4 (MANE Select); coding-DNA position 393, C replaced by G.
Protein change: p.Cys131Trp; replaces cysteine 131 with tryptophan.
Molecular consequence: missense variant.
Genome position (GRCh38, 1-based): chr3:122,257,288, C>G. VCF-style: chr3-122257288-C-G. GRCh37 (hg19) VCF-style: chr3-121976135-C-G.
Other names: C141W; c.393C>G, p.Cys131Trp (NM_001178065.2); c.393C>G (NM_000388.3); short protein forms C131W.
Identifiers: ClinVar variation 8344 (VCV000008344.2), dbSNP rs121909267, ClinGen allele CA119521.
Genomic context (GRCh38, chr3:122,257,288, plus strand): 5'-CCTGAGTTTTGTTGCTCAAAACAAAATTGATTCTTTGAACCTTGATGAGTTCTGCAACTG[C>G]TCAGAGCACATTCCCTCTACGATTGCTGTGGTGGGAGCAACTGGCTCAGGCGTCTCCACG-3'
Protein context (NP_000379.3, residues 121-141): DSLNLDEFCN[Cys131Trp]SEHIPSTIAV

ClinVar aggregate classification (germline): Uncertain significance. Review status: criteria provided, single submitter (1 of 4 stars). 2 submissions from 2 submitters: Uncertain significance (1). 1 of the submissions does not count toward it. Last evaluated 2024-01-02.

Conditions:
Bartter syndrome with hypocalcemia. Also called: Hypocalcemia, autosomal dominant 1, with bartter syndrome. Identifiers: MedGen C4552089, MONDO:0016983.
Nephrolithiasis/nephrocalcinosis. Identifiers: MedGen CN580796.

Submissions (2):

Ambry Genetics
Classification: Uncertain significance for Nephrolithiasis/nephrocalcinosis. Last evaluated: 2024-01-02. Review status: criteria provided, single submitter. Criteria: Ambry Variant Classification Scheme 2023. Collection method: clinical testing. Allele origin: germline.
Comment: The c.393C>G (p.C131W) alteration is located in exon 3 (coding exon 2) of the CASR gene. This alteration results from a C to G substitution at nucleotide position 393, causing the cysteine (C) at amino acid position 131 to be replaced by a tryptophan (W). In vitro functional studies showed that this variant increased sensitivity to extracellular calcium (Dong, 2015; Letz, 2014; Kinoshita, 2014). Based on insufficient or conflicting evidence, the clinical significance of this alteration remains unclear.

OMIM
Classification: Pathogenic for HYPOCALCEMIA, AUTOSOMAL DOMINANT 1, WITH BARTTER SYNDROME. Last evaluated: 2002-08-31. Review status: no assertion criteria provided. Collection method: literature only. Allele origin: germline. Not counted in ClinVar's aggregate classification.

Literature cited by the submitters: PubMed 12241879 (cited by Ambry Genetics and OMIM); PubMed 24297799 (cited by Ambry Genetics); PubMed 25506941 (cited by Ambry Genetics); PubMed 25967373 (cited by Ambry Genetics).